The following is an entry in ClinVar:

NM_000535.7(PMS2):c.1545C>T (p.Cys515=)

Gene: PMS2 (PMS1 homolog 2, mismatch repair system component; minus strand). Cytogenetic location: 7p22.1.
Variant type: single nucleotide variant.
Coding change: c.1545C>T on transcript NM_000535.7 (MANE Select); coding-DNA position 1545, C replaced by T.
Protein change: p.Cys515=; no amino-acid change (cysteine 515 retained).
Molecular consequence: synonymous variant. On other transcripts: non-coding transcript variant (1).
Genome position (GRCh38, 1-based): chr7:5,987,220, G>A on the plus strand (C>T on the coding strand, the complement: PMS2 is on the minus strand). VCF-style: chr7-5987220-G-A. GRCh37 (hg19) VCF-style: chr7-6026851-G-A.
Other names: c.1140C>T, p.Cys380= (NM_001322003.2, NM_001322004.2, NM_001322005.2 and 1 more transcripts); c.1389C>T, p.Cys463= (NM_001322006.2); c.1227C>T, p.Cys409= (NM_001322007.2, NM_001322008.2); c.984C>T, p.Cys328= (NM_001322010.2); c.612C>T, p.Cys204= (NM_001322011.2, NM_001322012.2); c.972C>T, p.Cys324= (NM_001322013.2); c.1545C>T, p.Cys515= (NM_001322014.2); c.1236C>T, p.Cys412= (NM_001322015.2).
Identifiers: ClinVar variation 378387 (VCV000378387.12), dbSNP rs1057520347, ClinGen allele CA16605835.
Genomic context (GRCh38, chr7:5,987,220, plus strand): 5'-AGAGTCCACATGTTCCTGCGAGCCCCTGTCCCCTGGGGAGCTGGCCGCATACTCGCTGCT[G>A]CAGTGACTGCCCGTGTCTGGGATGCTGAACCCCTCAGAATCCACGGAAGTGCTGCCGTGC-3'
Protein context (NP_000526.2, residues 505-525): GFSIPDTGSH[Cys515=]SSEYAASSPG

ClinVar aggregate classification (germline): Likely benign. Review status: criteria provided, multiple submitters, no conflicts (2 of 4 stars). 4 submissions from 4 submitters: Likely benign (4). Last evaluated 2025-03-04.

Conditions:
Hereditary nonpolyposis colorectal neoplasms. Identifiers: MedGen C0009405, MeSH D003123.
Hereditary cancer-predisposing syndrome. Also called: Hereditary neoplastic syndrome; Hereditary Cancer Syndrome; Neoplastic Syndromes, Hereditary; Tumor predisposition. Identifiers: Orphanet 140162, MedGen C0027672, MeSH D009386, MONDO:0015356.

Allele frequency attached by ClinVar (database versions not stated): gnomAD exomes below 0.00001.
gnomAD v4.1: 1 of 1,614,088 alleles (0.000062%); highest among the groups gnomAD compares: Non-Finnish European, 0.000085%; no homozygotes.

Submissions (4):

Center for Genomic Medicine, Rigshospitalet, Copenhagen University Hospital
Classification: Likely benign. Last evaluated: 2025-03-04. Review status: criteria provided, single submitter. Criteria: ACMG Guidelines, 2015. Collection method: clinical testing. Allele origin: germline.

Labcorp Genetics (formerly Invitae), Labcorp
Classification: Likely benign for Hereditary nonpolyposis colorectal neoplasms. Last evaluated: 2023-01-09. Review status: criteria provided, single submitter. Criteria: Invitae Variant Classification Sherloc (09022015). Collection method: clinical testing. Allele origin: germline.

Color Diagnostics, LLC DBA Color Health
Classification: Likely benign for Hereditary cancer-predisposing syndrome. Last evaluated: 2022-03-02. Review status: criteria provided, single submitter. Criteria: ACMG Guidelines, 2015. Collection method: clinical testing. Allele origin: germline.

GeneDx
Classification: Likely benign. Last evaluated: 2015-10-15. Review status: criteria provided, single submitter. Criteria: GeneDx Variant Classification (06012015). Collection method: clinical testing. Allele origin: germline. Affected: yes.
Comment: This variant is considered likely benign or benign based on one or more of the following criteria: it is a conservative change, it occurs at a poorly conserved position in the protein, it is predicted to be benign by multiple in silico algorithms, and/or has population frequency not consistent with disease.